The following is an entry in ClinVar:

ClinVar aggregate classification (germline): Benign/Likely benign. Review status: criteria provided, multiple submitters, no conflicts (2 of 4 stars). 5 submissions from 5 submitters: Benign (1); Likely benign (3). 1 of the submissions does not count toward it. Last evaluated 2026-01-13.

Conditions:
CTNNA1-related disorder. Also called: CTNNA1-related condition.
Hereditary nonpolyposis colon cancer (HNPCC). Also called: Hereditary nonpolyposis colorectal cancer; Familial nonpolyposis colon cancer; Hereditary Nonpolyposis Colorectal Cancer Syndrome. Identifiers: Orphanet 443909, MedGen C1333990, MONDO:0018630. Disease mechanism: loss of function.
Hereditary cancer-predisposing syndrome. Also called: Tumor predisposition; Hereditary neoplastic syndrome; Hereditary Cancer Syndrome; Neoplastic Syndromes, Hereditary. Identifiers: Orphanet 140162, MedGen C0027672, MeSH D009386, MONDO:0015356.
Hereditary diffuse gastric adenocarcinoma (HDGC). Also called: DIFFUSE GASTRIC AND LOBULAR BREAST CANCER SYNDROME. Identifiers: Orphanet 26106, MedGen C1708349, MONDO:0007648, OMIM 137215.

Allele frequency attached by ClinVar (database versions not stated): gnomAD 0.00006; TOPMed 0.00006.
gnomAD v4.1: 124 of 1,614,068 alleles (0.0077%); highest among the groups gnomAD compares: Non-Finnish European, 0.0092%; no homozygotes.

Submissions (5):

Labcorp Genetics (formerly Invitae), Labcorp
Classification: Likely benign. Last evaluated: 2026-01-13. Review status: criteria provided, single submitter. Criteria: Invitae Variant Classification Sherloc (09022015). Collection method: clinical testing. Allele origin: germline.

Myriad Genetics, Inc.
Classification: Benign for Hereditary diffuse gastric adenocarcinoma. Last evaluated: 2024-10-10. Review status: criteria provided, single submitter. Criteria: Myriad Autosomal Dominant, Autosomal Recessive and X-Linked Classification Criteria (2023). Collection method: clinical testing. Allele origin: unknown.
Comment: This variant is considered benign. This variant is a silent/synonymous amino acid change and it is not expected to impact splicing.

Department of Pathology and Laboratory Medicine, Sinai Health System
Classification: Likely benign for hereditary nonpolyposis colon cancer. Last evaluated: 2023-01-05. Review status: criteria provided, single submitter. Criteria: ACMG Guidelines, 2015. Collection method: clinical testing. Allele origin: germline. Affected: yes.

Ambry Genetics
Classification: Likely benign for Hereditary cancer-predisposing syndrome. Last evaluated: 2020-02-14. Review status: criteria provided, single submitter. Criteria: Ambry Variant Classification Scheme 2023. Collection method: clinical testing. Allele origin: germline.

PreventionGenetics, part of Exact Sciences
Classification: Likely benign for CTNNA1-related condition. Last evaluated: 2023-05-30. Review status: no assertion criteria provided. Collection method: clinical testing. Allele origin: germline. Not counted in ClinVar's aggregate classification.
Comment: This variant is classified as likely benign based on ACMG/AMP sequence variant interpretation guidelines (Richards et al. 2015 PMID: 25741868, with internal and published modifications).

NM_001903.5(CTNNA1):c.867C>T (p.Ile289=)

Gene: CTNNA1 (catenin alpha 1; plus strand). Cytogenetic location: 5q31.2.
Variant type: single nucleotide variant.
Coding change: c.867C>T on transcript NM_001903.5 (MANE Select); coding-DNA position 867, C replaced by T.
Protein change: p.Ile289=; no amino-acid change (isoleucine 289 retained).
Molecular consequence: synonymous variant.
Genome position (GRCh38, 1-based): chr5:138,827,523, C>T. VCF-style: chr5-138827523-C-T. GRCh37 (hg19) VCF-style: chr5-138163212-C-T.
Other names: c.498C>T, p.Ile166= (NM_001290310.3); c.867C>T, p.Ile289= (NM_001323982.2, NM_001323983.1, NM_001323984.2 and 3 more transcripts); c.867C>T (NM_001903.4); c.558C>T, p.Ile186= (NM_001290309.3).
Identifiers: ClinVar variation 697869 (VCV000697869.17), dbSNP rs767757408, ClinGen allele CA3431585.